The following is an entry in ClinVar:

ClinVar aggregate classification (germline): Uncertain significance (1 of 4 stars; one submission).

Conditions:
PCNT-related disorder. Also called: PCNT-related condition.

Submission:

PreventionGenetics, part of Exact Sciences
Classification: Uncertain significance for PCNT-related condition. Last evaluated: 2026-08-25. Review status: criteria provided, single submitter. Criteria: ACMG Guidelines, 2015. Collection method: clinical testing. Allele origin: germline.
Comment: The PCNT c.7447G>A variant is predicted to result in the amino acid substitution p.Gly2483Ser. To our knowledge, this variant has not been reported in the literature or in a large population database (gnomAD), indicating this variant is rare. At this time, the clinical significance of this variant is uncertain due to the absence of conclusive functional and genetic evidence.

NM_006031.6(PCNT):c.7447G>A (p.Gly2483Ser)

Gene: PCNT (pericentrin; plus strand). Cytogenetic location: 21q22.3.
Variant type: single nucleotide variant.
Coding change: c.7447G>A on transcript NM_006031.6 (MANE Select); coding-DNA position 7447, G replaced by A.
Protein change: p.Gly2483Ser; replaces glycine 2483 with serine.
Molecular consequence: missense variant.
Genome position (GRCh38, 1-based): chr21:46,427,748, G>A. VCF-style: chr21-46427748-G-A. GRCh37 (hg19) VCF-style: chr21-47847662-G-A.
Other names: c.7093G>A, p.Gly2365Ser (NM_001315529.2); short protein forms G2365S, G2483S.
Identifiers: ClinVar variation 4990905 (VCV004990905.1).